The following continues an entry in ClinVar:

NM_000203.5(IDUA):c.208C>T (p.Gln70Ter)

ClinVar aggregate classification (germline): Pathogenic. Pathogenic (1).

Submissions 22 to 37 of 37:

Women's Health and Genetics/Laboratory Corporation of America, LabCorp
Classification: Pathogenic for Mucopolysaccharidosis type 1. Last evaluated: 2016-08-04. Review status: criteria provided, single submitter. Criteria: LabCorp Variant Classification Summary - May 2015. Collection method: clinical testing. Allele origin: germline. Not counted in ClinVar's aggregate classification.
Comment: Variant summary: The IDUA c.208C>T (p.Gln70X) variant results in a premature termination codon 584 amino acids from the end of the protein, predicted to cause a truncated or absent IDUA protein due to nonsense mediated decay, which are commonly known mechanisms for disease. Truncations downstream of this position have been classified as pathogenic by our laboratory (e.g. p.Trp402X). The residual activity of IDUA was measured in fibroblast cell lines from a patient homozygous for Gln70X, showing that activity was essentially no activity, indicating that this is a null allele. One in silico tool predicts a damaging outcome for this variant. This variant was found in 72/110336 control chromosomes at a frequency of 0.0006526, which does not exceed the estimated maximal expected allele frequency of a pathogenic IDUA variant (0.0026926). However, the variant has been cited in many Hurler Syndrome (MPS IH, severe presentation) patients in both homozygous and compound heterozygous states. In addition, multiple clinical diagnostic laboratories/reputable databases classified this variant as pathogenic. Taken together, this variant is classified as pathogenic.

Laboratory for Molecular Medicine, Mass General Brigham Personalized Medicine
Classification: Pathogenic for Mucopolysaccharidosis type 1. Last evaluated: 2014-12-24. Review status: criteria provided, single submitter. Criteria: LMM Criteria. Collection method: clinical testing. Allele origin: germline. Inheritance: Autosomal recessive inheritance. Observed: 1 variant allele. Study: CSER-MedSeq. Not counted in ClinVar's aggregate classification.
Comment: The p.Gln70X variant in IDUA has been reported in several individuals with Mucopolysaccharidosis type I (MPSI) in a homozygous or compound heterozygous state with another pathogenic variant, and is estimated to account for 10-15% of this disease in different European populations (Scott 1992, Clarke 1993, Gatti 1997, Gort 1997, Vazna 2009, Pollard 2013). The Gln70X variant led to reduced residual enzyme activity in functional studies (Oussoren 2013). This variant has also been identified in 0.3% (17/5282) of Finnish chromosomes by the Exome Aggregation Consortium (ExAC; dbSNP rs121965020), and in 0.1% (10/8592) of European chromosomes by the NHLBI Exome Sequencing Project. This frequency is consistent with the estimated carrier frequency of MPSI (Moore 2008). This nonsense variant leads to a premature termination codon at position 70, which is predicted to lead to a truncated or absent protein. Loss of function of the IDUA gene is an established disease mechanism in individuals with MPSI. In summary, this variant meets our criteria to be classified as pathogenic for MPSI in an autosomal recessive manner.

Eurofins Ntd Llc (ga)
Classification: Pathogenic. Last evaluated: 2013-08-09. Review status: criteria provided, single submitter. Criteria: EGL Classification Definitions. Collection method: clinical testing. Allele origin: germline. Observed: 37 variant alleles, 32 heterozygotes, 7 homozygotes. Not counted in ClinVar's aggregate classification.

Equipe Genetique des Anomalies du Developpement, Université de Bourgogne
Classification: Pathogenic for Interstitial pneumonitis. Review status: criteria provided, single submitter. Criteria: ACMG Guidelines, 2015. Collection method: clinical testing. Allele origin: maternal. Affected: yes. Not counted in ClinVar's aggregate classification.

UNC Molecular Genetics  Laboratory, University of North Carolina at Chapel Hill
Classification: Pathogenic for Mucopolysaccharidosis type 1. Review status: criteria provided, single submitter. Criteria: ACMG Guidelines, 2015. Collection method: research. Allele origin: germline. Affected: no. Observed: 1 variant allele. Study: NSIGHT-NC NEXUS. Not counted in ClinVar's aggregate classification.
Comment: The IDUA c.208C>T (p.Q70*) nonsense variant is predicted to result in an absent or aberrant protein. This variant has been reported in individuals with MPS I (PMID: 1301941; 1505961; 8401515; 7951228; 9427149; 9787109; 10215409; 11735025; 19396826).

carrier finding

Division of Human Genetics, Children's Hospital of Philadelphia
Classification: Pathogenic for Mucopolysaccharidosis Ih. Last evaluated: 2015-03-04. Review status: no assertion criteria provided. Collection method: research. Allele origin: germline. Affected: no. Study: CSER-PediSeq. Not counted in ClinVar's aggregate classification.
Comment: The IDUA variant (c.208C>T) is a nonsense mutation that is predicted to prematurely truncate the transcript, possibly leading to nonsense mediated decay. It has been identified in many patients in the literature and is the second most common pathogenic mutation in this gene, occurring in about 16% of affected individuals (Scott et al. 1992, PMID: 1301941; Beesley et al. 2001, PMID: 11735025; Pollard et al. 2007). Biochemical assays showed essentially no activity in homozygotes of this mutation (Oussoren et al. 2013, PMID: 23786846). The protein was also absent based on immunochemical analysis (Scott et al. 1992, PMID: 1301941).

Division of Human Genetics, Children's Hospital of Philadelphia
Classification: Pathogenic for Mucopolysaccharidosis Ih/s. Last evaluated: 2015-03-04. Review status: no assertion criteria provided. Collection method: research. Allele origin: germline. Affected: no. Study: CSER-PediSeq. Not counted in ClinVar's aggregate classification.
Comment: the same text as in the submission from Division of Human Genetics, Children's Hospital of Philadelphia above.

Division of Human Genetics, Children's Hospital of Philadelphia
Classification: Pathogenic for Mucopolysaccharidosis Is. Last evaluated: 2015-03-04. Review status: no assertion criteria provided. Collection method: research. Allele origin: germline. Affected: no. Study: CSER-PediSeq. Not counted in ClinVar's aggregate classification.
Comment: the same text as in the submission from Division of Human Genetics, Children's Hospital of Philadelphia above.

OMIM
Classification: Pathogenic for HURLER SYNDROME. Last evaluated: 2001-11-01. Review status: no assertion criteria provided. Collection method: literature only. Allele origin: germline. Not counted in ClinVar's aggregate classification.

Clinical Genetics DNA and cytogenetics Diagnostics Lab, Erasmus MC, Erasmus Medical Center
Classification: Pathogenic. Review status: no assertion criteria provided. Collection method: clinical testing. Allele origin: germline. Affected: yes. Study: VKGL Data-share Consensus. Not counted in ClinVar's aggregate classification.

Department of Pathology and Laboratory Medicine, Sinai Health System
Classification: Pathogenic. Review status: no assertion criteria provided. Collection method: clinical testing. Allele origin: unknown. Affected: yes. Study: The Canadian Open Genetics Repository (COGR). Not counted in ClinVar's aggregate classification.
Comment: The IDUA p.Gln70X variant was identified in 69 of 500 proband chromosomes (frequency: 0.18) from individuals or families with Mucopolysaccharidosis type I (MPS I), and was not identified in 40 control chromosomes from healthy individuals (Beesley_2001_11735025, Scott_1992_1505961, Vazna_2009_19396826, Yogalingam_2004_15300847, Bunge_1994_7951228, Pollard_2013_22976768). This variant was also identified in the following databases: dbSNP (ID: rs121965020) as â€šÃ„Ãºwith Pathogenic allele-â€šÃ„Ã¹, ClinVar (10x as pathogenic by EGL Genetic, Laboratory for Molecular Medicine , Illumina , Counsyl, Gene Reviews, OMIM, Children's Hospital of Philadelphia), Clinvitae (6x as pathogenic by ClinVar, EmvClass) and LOVD 3.0 (31x). This variant was identified in The NHLBI GO Exome Sequencing Project in 10 of 8592 European American alleles, (freq. 0.001), the Exome Aggregation Consortium database (August 8th 2016) in 72 of 110236 chromosomes (freq. 0.00065), the genome Aggregation Database (beta, October 19th 2016) in 142 of 270128 chromosomes (freq. 0.0005) in the following populations: African in 4 of 23548 chromosomes (freq. 0.00017), European Non Finnish in 85 of 121110 chromosomes (freq. 0.0007) and Finnish in 53 of 25426 chromosomes (freq. 0.002), but was not seen in other, Latino, Ashkenazi Jewish, East Asian and South Asian populations. Mucopolysaccharidosis type I (MPS I) is an autosomal recessive lysosomal storage disorder caused by a deficiency of a-L-iduronidase (IDUA). Mutations in the gene are responsible for the enzyme deficiency, which leads to the intralysosomal storage of the partially degraded glycosaminoglycans dermatan sulfate and heparin sulfate (Yogalingam_2004_15300847). The IDUA gene is approximately 19 kb in length. It maps to chromosome 4p16.3 and contains 14 exons, producing a transcript of 2.3 kb in length, which encodes a precursor protein consisting of 653 amino acids (8). The first 27 amino acids of the protein represent a signal peptide. To date, 199 different disease-causing IDUA gene mutations have been reported (9), with variable distribution across populations. Among them, p.W402X, p.Q70X, p.P533R, and p.G51D are the most common mutations worldwide (Atceken_2016_27511503). The p.Gln208X variant leads to a premature stop codon at position 70, which is predicted to lead to a truncated or absent protein and loss of function. Loss of function variants of the IDUA gene are an established mechanism of disease in autosomal recessive Mucopolysaccharidosis type I disease and is the type of variant expected to cause the disorder. In summary, based on the above information, this variant meets our laboratoryâ€šÃ„Ã´s criteria to be classified as pathogenic.

Diagnostic Laboratory, Department of Genetics, University Medical Center Groningen
Classification: Pathogenic. Review status: no assertion criteria provided. Collection method: clinical testing. Allele origin: germline. Affected: yes. Study: VKGL Data-share Consensus. Not counted in ClinVar's aggregate classification.

GeneReviews
No classification provided. Condition: Mucopolysaccharidosis type 1. Review status: no classification provided. Collection method: literature only. Allele origin: germline. Not counted in ClinVar's aggregate classification.
Comment: Common variant in Europe and Russia; associated with severe MPS I

Genome Diagnostics Laboratory, Amsterdam University Medical Center
Classification: Pathogenic. Review status: no assertion criteria provided. Collection method: clinical testing. Allele origin: germline. Affected: yes. Study: VKGL Data-share Consensus. Not counted in ClinVar's aggregate classification.

Genome Diagnostics Laboratory, University Medical Center Utrecht
Classification: Pathogenic. Review status: no assertion criteria provided. Collection method: clinical testing. Allele origin: germline. Affected: yes. Study: VKGL Data-share Consensus. Not counted in ClinVar's aggregate classification.

Joint Genome Diagnostic Labs from Nijmegen and Maastricht, Radboudumc and MUMC+
Classification: Pathogenic. Review status: no assertion criteria provided. Collection method: clinical testing. Allele origin: germline. Affected: yes. Study: VKGL Data-share Consensus. Not counted in ClinVar's aggregate classification.

Literature cited by the submitters: PubMed 11735025 (cited by 6 submitters); PubMed 21480867 (cited by Labcorp Genetics (formerly Invitae), Labcorp); PubMed 8401515 (cited by 4 submitters); PubMed 21394825 (cited by 3 submitters); PubMed 21831683 (cited by Labcorp Genetics (formerly Invitae), Labcorp); PubMed 22976768 (cited by 4 submitters); PubMed 24314423 (cited by Labcorp Genetics (formerly Invitae), Labcorp); PubMed 24368159 (cited by Labcorp Genetics (formerly Invitae), Labcorp); PubMed 7951228 (cited by 4 submitters); PubMed 11159948 (cited by Johns Hopkins Genomics, Johns Hopkins University and Broad Center for Mendelian Genomics, Broad Institute of MIT and Harvard); PubMed 23786846 (cited by 6 submitters); PubMed 28752568 (cited by Johns Hopkins Genomics, Johns Hopkins University and Broad Center for Mendelian Genomics, Broad Institute of MIT and Harvard); PubMed 19396826 (cited by 4 submitters); PubMed 10215409 (cited by 4 submitters); PubMed 29393969 (cited by Broad Center for Mendelian Genomics, Broad Institute of MIT and Harvard); PubMed 1301941 (cited by 4 submitters); PubMed 18796143 (cited by Laboratory for Molecular Medicine, Mass General Brigham Personalized Medicine); PubMed 1505961 (cited by UNC Molecular Genetics  Laboratory, University of North Carolina at Chapel Hill and OMIM); PubMed 9427149 (cited by UNC Molecular Genetics  Laboratory, University of North Carolina at Chapel Hill); PubMed 9787109 (cited by UNC Molecular Genetics  Laboratory, University of North Carolina at Chapel Hill); NCBI Bookshelf NBK1162 (cited by GeneReviews).